The following is an entry in ClinVar:

ClinVar aggregate classification (germline): Uncertain significance (1 of 4 stars; one submission).

Conditions:
GRN-related frontotemporal lobar degeneration with Tdp43 inclusions (FTD2). Also called: GRN Frontotemporal Dementia; FRONTOTEMPORAL DEMENTIA WITH TDP43 INCLUSIONS, GRN-RELATED; DEMENTIA, HEREDITARY DYSPHASIC DISINHIBITION; FRONTOTEMPORAL LOBAR DEGENERATION WITH UBIQUITIN-POSITIVE INCLUSIONS; FTLD-TDP, GRN-RELATED. Identifiers: Orphanet 100070, Orphanet 282, MedGen C1843792, MONDO:0011842, OMIM 607485. Disease mechanism: loss of function.
Neuronal ceroid lipofuscinosis 11. Also called: GRN-Related Neuronal Ceroid-Lipofuscinosis. Identifiers: Orphanet 314629, Orphanet 79262, MedGen C3539123, MONDO:0013866, OMIM 614706.

Allele frequency attached by ClinVar (database versions not stated): gnomAD exomes below 0.00001.
gnomAD v4.1: 6 of 1,614,026 alleles (0.00037%); highest among the groups gnomAD compares: Admixed American, 0.0017%; no homozygotes.

Submission:

Labcorp Genetics (formerly Invitae), Labcorp
Classification: Uncertain significance for Neuronal ceroid lipofuscinosis 11; GRN-related frontotemporal lobar degeneration with Tdp43 inclusions. Last evaluated: 2024-01-16. Review status: criteria provided, single submitter. Criteria: Invitae Variant Classification Sherloc (09022015). Collection method: clinical testing. Allele origin: germline.
Comment: This sequence change replaces cysteine, which is neutral and slightly polar, with tyrosine, which is neutral and polar, at codon 222 of the GRN protein (p.Cys222Tyr). This variant is present in population databases (no rsID available, gnomAD 0.003%). This missense change has been observed in individual(s) with Alzheimer's disease (PMID: 25333068). Advanced modeling of protein sequence and biophysical properties (such as structural, functional, and spatial information, amino acid conservation, physicochemical variation, residue mobility, and thermodynamic stability) performed at Invitae indicates that this missense variant is expected to disrupt GRN protein function with a positive predictive value of 80%. In summary, the available evidence is currently insufficient to determine the role of this variant in disease. Therefore, it has been classified as a Variant of Uncertain Significance.

Literature cited by the submitters: PubMed 25333068.

NM_002087.4(GRN):c.665G>A (p.Cys222Tyr)

Gene: GRN (granulin precursor; plus strand). Cytogenetic location: 17q21.31.
Variant type: single nucleotide variant.
Coding change: c.665G>A on transcript NM_002087.4 (MANE Select); coding-DNA position 665, G replaced by A.
Protein change: p.Cys222Tyr; replaces cysteine 222 with tyrosine.
Molecular consequence: missense variant.
Genome position (GRCh38, 1-based): chr17:44,350,757, G>A. VCF-style: chr17-44350757-G-A. GRCh37 (hg19) VCF-style: chr17-42428125-G-A.
Other names: short protein forms C222Y.
Identifiers: ClinVar variation 2922494 (VCV002922494.3), dbSNP rs777704177, ClinGen allele CA399764338.
Genomic context (GRCh38, chr17:44,350,757, plus strand): 5'-TGTCCAGCTCGGTCATGTGTCCGGACGCACGGTCCCGGTGCCCTGATGGTTCTACCTGCT[G>A]TGAGCTGCCCAGTGGGAAGTATGGCTGCTGCCCAATGCCCAACGTGAGTGAGGGGCTGGA-3'
Protein context (NP_002078.1, residues 212-232): RSRCPDGSTC[Cys222Tyr]ELPSGKYGCC